The following is an entry in ClinVar:

ClinVar aggregate classification (germline): Uncertain significance (1 of 4 stars; one submission).

gnomAD v4.1: 3 of 1,545,624 alleles (0.00019%); highest among the groups gnomAD compares: Non-Finnish European, 0.00026%; no homozygotes.

Submission:

Labcorp Genetics (formerly Invitae), Labcorp
Classification: Uncertain significance. Last evaluated: 2025-10-27. Review status: criteria provided, single submitter. Criteria: Invitae Variant Classification Sherloc (09022015). Collection method: clinical testing. Allele origin: germline.
Comment: This sequence change falls in intron 9 of the LRRC56 gene. It does not directly change the encoded amino acid sequence of the LRRC56 protein. This variant is not present in population databases (gnomAD no frequency). This variant has not been reported in the literature in individuals affected with LRRC56-related conditions. Algorithms developed to predict the effect of sequence changes on RNA splicing suggest that this variant may disrupt the consensus splice site. In summary, the available evidence is currently insufficient to determine the role of this variant in disease. Therefore, it has been classified as a Variant of Uncertain Significance.

NM_198075.4(LRRC56):c.797-11A>G

Gene: LRRC56 (leucine rich repeat containing 56; plus strand). Cytogenetic location: 11p15.5.
Variant type: single nucleotide variant.
Coding change: c.797-11A>G on transcript NM_198075.4 (MANE Select); 11 bases into the intron before coding-DNA position 797, A replaced by G.
Molecular consequence: intron variant.
Genome position (GRCh38, 1-based): chr11:551,640, A>G. VCF-style: chr11-551640-A-G. GRCh37 (hg19) VCF-style: chr11-551640-A-G.
Other names: c.797-11A>G (NM_001441284.1, NM_001441283.1); c.797-263A>G (NM_001441286.1, NM_001441285.1).
Identifiers: ClinVar variation 4730055 (VCV004730055.1).
Genomic context (GRCh38, chr11:551,640, plus strand): 5'-GTCTGTGGACAGAGTCTGGGGGGCGCTCTCAGGCTGGGCCTTGGTGACCTCTGCTTCTGA[A>G]CCTCGGGCAGACTGTCCCCGTGGAGCCCCCATCCGGAGACTTGACCCCGAGCTGTCCCTG-3'